The following is an entry in ClinVar:

ClinVar aggregate classification (germline): Uncertain significance (1 of 4 stars; one submission).

Conditions:
Hereditary cancer-predisposing syndrome. Also called: Hereditary neoplastic syndrome; Neoplastic Syndromes, Hereditary; Tumor predisposition; Hereditary Cancer Syndrome. Identifiers: Orphanet 140162, MedGen C0027672, MeSH D009386, MONDO:0015356.

Submission:

Ambry Genetics
Classification: Uncertain significance for Hereditary cancer-predisposing syndrome. Last evaluated: 2024-12-23. Review status: criteria provided, single submitter. Criteria: Ambry Variant Classification Scheme 2023. Collection method: clinical testing. Allele origin: germline.
Comment: The p.K1188Q variant (also known as c.3562A>C), located in coding exon 28 of the EGFR gene, results from an A to C substitution at nucleotide position 3562. The lysine at codon 1188 is replaced by glutamine, an amino acid with similar properties. This amino acid position is conserved. In addition, this alteration is predicted to be tolerated by in silico analysis. Based on the available evidence, the clinical significance of this variant remains unclear.

NM_005228.5(EGFR):c.3562A>C (p.Lys1188Gln)

Gene: EGFR (epidermal growth factor receptor; plus strand). Cytogenetic location: 7p11.2.
Variant type: single nucleotide variant.
Coding change: c.3562A>C on transcript NM_005228.5 (MANE Select); coding-DNA position 3562, A replaced by C.
Protein change: p.Lys1188Gln; replaces lysine 1188 with glutamine.
Molecular consequence: missense variant.
Genome position (GRCh38, 1-based): chr7:55,205,546, A>C. VCF-style: chr7-55205546-A-C. GRCh37 (hg19) VCF-style: chr7-55273239-A-C.
Other names: c.3427A>C, p.Lys1143Gln (NM_001346899.2); c.3403A>C, p.Lys1135Gln (NM_001346900.2); c.2761A>C, p.Lys921Gln (NM_001346941.2); short protein forms K1188Q, K921Q, K1143Q, K1135Q.
Identifiers: ClinVar variation 3843784 (VCV003843784.1).